The following is an entry in ClinVar:

ClinVar aggregate classification (germline): Benign/Likely benign. Review status: criteria provided, multiple submitters, no conflicts (2 of 4 stars). 8 submissions from 8 submitters: Benign (1); Likely benign (4). 3 of the submissions do not count toward it. Last evaluated 2026-01-05.

Conditions:
NKX3-2-related disorder. Also called: NKX3-2-related condition.
Connective tissue disorder. Also called: Connective tissue disease. Identifiers: MedGen C0009782, MONDO:0003900.

Allele frequency attached by ClinVar (database versions not stated): 1000 Genomes Project 0.00100; 1000 Genomes Project 30x 0.00125; ESP Exome Variant Server 0.00155; TOPMed 0.00234; gnomAD 0.00271 and 0.00283; gnomAD exomes 0.00322 and 0.00328; ExAC 0.00489.
gnomAD v4.1: 5,138 of 1,603,892 alleles (0.32%); highest among the groups gnomAD compares: Non-Finnish European, 0.38%; 12 homozygotes.

Submissions (8):

Labcorp Genetics (formerly Invitae), Labcorp
Classification: Benign. Last evaluated: 2026-01-05. Review status: criteria provided, single submitter. Criteria: Invitae Variant Classification Sherloc (09022015). Collection method: clinical testing. Allele origin: germline.

Blueprint Genetics
Classification: Likely benign. Last evaluated: 2024-11-19. Review status: criteria provided, single submitter. Criteria: ACMG Guidelines, 2015. Collection method: clinical testing. Allele origin: germline.

CeGaT Center for Human Genetics Tuebingen
Classification: Likely benign. Last evaluated: 2024-05-01. Review status: criteria provided, single submitter. Criteria: CeGaT Center For Human Genetics Tuebingen Variant Classification Criteria Version 2. Collection method: clinical testing. Allele origin: germline. Affected: yes. Observed: 3 variant alleles.
Comment: NKX3-2: BS2

Genome Diagnostics Laboratory, The Hospital for Sick Children
Classification: Likely benign for Connective tissue disorder. Last evaluated: 2020-11-18. Review status: criteria provided, single submitter. Criteria: ACMG Guidelines, 2015. Collection method: clinical testing. Allele origin: germline.

Breakthrough Genomics
Classification: Likely benign. Review status: criteria provided, single submitter. Criteria: ACMG Guidelines, 2015. Collection method: not provided. Allele origin: germline. Inheritance: Autosomal recessive inheritance. Affected: yes.

PreventionGenetics, part of Exact Sciences
Classification: Likely benign for NKX3-2-related condition. Last evaluated: 2019-05-07. Review status: no assertion criteria provided. Collection method: clinical testing. Allele origin: germline. Not counted in ClinVar's aggregate classification.
Comment: This variant is classified as likely benign based on ACMG/AMP sequence variant interpretation guidelines (Richards et al. 2015 PMID: 25741868, with internal and published modifications).

Clinical Genetics DNA and cytogenetics Diagnostics Lab, Erasmus MC, Erasmus Medical Center
Classification: Likely benign. Review status: no assertion criteria provided. Collection method: clinical testing. Allele origin: germline. Affected: yes. Study: VKGL Data-share Consensus. Not counted in ClinVar's aggregate classification.

Laboratory of Diagnostic Genome Analysis, Leiden University Medical Center (LUMC)
Classification: Likely benign. Review status: no assertion criteria provided. Collection method: clinical testing. Allele origin: germline. Affected: yes. Study: VKGL Data-share Consensus. Not counted in ClinVar's aggregate classification.

NM_001189.4(NKX3-2):c.235A>T (p.Thr79Ser)

Gene: NKX3-2 (NK3 homeobox 2; minus strand). Cytogenetic location: 4p15.33.
Variant type: single nucleotide variant.
Coding change: c.235A>T on transcript NM_001189.4 (MANE Select); coding-DNA position 235, A replaced by T.
Protein change: p.Thr79Ser; replaces threonine 79 with serine.
Molecular consequence: missense variant.
Genome position (GRCh38, 1-based): chr4:13,544,180, T>A on the plus strand (A>T on the coding strand, the complement: NKX3-2 is on the minus strand). VCF-style: chr4-13544180-T-A. GRCh37 (hg19) VCF-style: chr4-13545804-T-A.
Other names: short protein forms T79S.
Identifiers: ClinVar variation 770899 (VCV000770899.50), dbSNP rs200167000, ClinGen allele CA2860455.